The following is an entry in ClinVar:

ClinVar aggregate classification (germline): Likely benign. Review status: criteria provided, multiple submitters, no conflicts (2 of 4 stars). 3 submissions from 3 submitters: Likely benign (3). Last evaluated 2025-04-30.

Conditions:
Primary dilated cardiomyopathy (DCM). Also called: Dilated Cardiomyopathy. Identifiers: Orphanet 217604, MedGen C0007193, MeSH D002311, MONDO:0005021, HP:0001644. Inheritance: Various modes of inheritance.
Charcot-Marie-Tooth disease type 2. Also called: Charcot-Marie-Tooth type 2. Identifiers: Orphanet 64746, MedGen C0270914, MONDO:0018993.
Cardiomyopathy (CMYO). Also called: Cardiomyopathies. Identifiers: Orphanet 167848, MedGen C0878544, MONDO:0004994, HP:0001638. Inheritance: Various modes of inheritance.

Submissions (3):

Labcorp Genetics (formerly Invitae), Labcorp
Classification: Likely benign for Charcot-Marie-Tooth disease type 2. Last evaluated: 2025-04-30. Review status: criteria provided, single submitter. Criteria: Invitae Variant Classification Sherloc (09022015). Collection method: clinical testing. Allele origin: germline.

All of Us Research Program, National Institutes of Health
Classification: Likely benign for Primary dilated cardiomyopathy. Last evaluated: 2023-11-02. Review status: criteria provided, single submitter. Criteria: ACMG Guidelines, 2015. Collection method: clinical testing. Allele origin: germline. Inheritance: Autosomal dominant inheritance. Observed: 2 variant alleles, 2 heterozygotes.
Comment: This study involves interpretation of variants in research participants for the purpose of population health screening. Participant phenotype was not available at the time of variant classification. Additional details can be found in publication PMID: 35346344, PMCID: PMC8962531

Color Diagnostics, LLC DBA Color Health
Classification: Likely benign for Cardiomyopathy. Last evaluated: 2022-02-01. Review status: criteria provided, single submitter. Criteria: ACMG Guidelines, 2015. Collection method: clinical testing. Allele origin: germline.

NM_170707.4(LMNA):c.1609-4C>T

Gene: LMNA (lamin A/C; plus strand). Cytogenetic location: 1q22.
Variant type: single nucleotide variant.
Coding change: c.1609-4C>T on transcript NM_170707.4 (MANE Select); 4 bases into the intron before coding-DNA position 1609, C replaced by T.
Molecular consequence: intron variant.
Genome position (GRCh38, 1-based): chr1:156,137,650, C>T. VCF-style: chr1-156137650-C-T. GRCh37 (hg19) VCF-style: chr1-156107441-C-T.
Other names: c.1609-4C>T (NM_001282625.2, NM_001282626.2, NM_005572.4); c.1608+418C>T (NM_170708.4); c.1273-4C>T (NM_001257374.3); c.1366-4C>T (NM_001282624.2).
Identifiers: ClinVar variation 543287 (VCV000543287.13), dbSNP rs1553266259, ClinGen allele CA658795541.